The following is an entry in ClinVar:

NM_032620.4(GTPBP3):c.224G>A (p.Arg75His)

Gene: GTPBP3 (GTP binding protein 3, mitochondrial; plus strand). Cytogenetic location: 19p13.11.
Variant type: single nucleotide variant.
Coding change: c.224G>A on transcript NM_032620.4 (MANE Select); coding-DNA position 224, G replaced by A.
Protein change: p.Arg75His; replaces arginine 75 with histidine.
Molecular consequence: missense variant.
Genome position (GRCh38, 1-based): chr19:17,338,178, G>A. VCF-style: chr19-17338178-G-A. GRCh37 (hg19) VCF-style: chr19-17448987-G-A.
Other names: c.224G>A, p.Arg75His (NM_001128855.3, NM_133644.4); c.290G>A, p.Arg97His (NM_001195422.1); short protein forms R97H, R75H.
Identifiers: ClinVar variation 1416501 (VCV001416501.5), dbSNP rs2074386609, ClinGen allele CA404732023.

ClinVar aggregate classification (germline): Uncertain significance (1 of 4 stars; one submission).

Allele frequency attached by ClinVar (database versions not stated): TOPMed below 0.00001; gnomAD 0.00001; gnomAD exomes 0.00002.

Submission:

Labcorp Genetics (formerly Invitae), Labcorp
Classification: Uncertain significance. Last evaluated: 2021-08-31. Review status: criteria provided, single submitter. Criteria: Invitae Variant Classification Sherloc (09022015). Collection method: clinical testing. Allele origin: germline.
Comment: This sequence change replaces arginine with histidine at codon 75 of the GTPBP3 protein (p.Arg75His). The arginine residue is highly conserved and there is a small physicochemical difference between arginine and histidine. This variant is not present in population databases (ExAC no frequency). This variant has not been reported in the literature in individuals affected with GTPBP3-related conditions. Algorithms developed to predict the effect of missense changes on protein structure and function are either unavailable or do not agree on the potential impact of this missense change (SIFT: "Deleterious"; PolyPhen-2: "Probably Damaging"; Align-GVGD: "Class C0"). In summary, the available evidence is currently insufficient to determine the role of this variant in disease. Therefore, it has been classified as a Variant of Uncertain Significance.